The following is an entry in ClinVar:

ClinVar aggregate classification (germline): Uncertain significance (1 of 4 stars; one submission).

gnomAD v4.1: 44 of 1,595,338 alleles (0.0028%); highest among the groups gnomAD compares: South Asian, 0.045%; no homozygotes.

Submission:

Women's Health and Genetics/Laboratory Corporation of America, LabCorp
Classification: Uncertain significance. Last evaluated: 2025-11-03. Review status: criteria provided, single submitter. Criteria: LabCorp Variant Classification Summary - May 2015. Collection method: clinical testing. Allele origin: germline.
Comment: Variant summary: OCA2 c.1208A>G (p.Glu403Gly) results in a non-conservative amino acid change located in the Citrate transporter-like domain (IPR004680) of the encoded protein sequence. Algorithms developed to predict the effect of missense changes on protein structure and function all suggest that this variant is likely to be disruptive. The variant allele was found at a frequency of 5.2e-05 in 251452 control chromosomes (gnomAD). This frequency is not significantly higher than estimated for disease-causing variants in OCA2, allowing no conclusion about variant significance. c.1208A>G has been observed in a heterozygous individual affected with Oculocutaneous Albinism (Sengupta_2010); this individual also had a homozygous variant in another gene, which could potentially explain the phenotype. These report(s) do not provide unequivocal conclusions about association of the variant with Oculocutaneous Albinism. To our knowledge, no experimental evidence demonstrating an impact on protein function has been reported. The following publications have been ascertained in the context of this evaluation (PMID: 20426782, 37431738). No submitters have cited clinical-significance assessments for this variant to ClinVar. Based on the evidence outlined above, the variant was classified as uncertain significance.

Literature cited by the submitters: PubMed 20426782; PubMed 37431738.

NM_000275.3(OCA2):c.1208A>G (p.Glu403Gly)

Gene: OCA2 (OCA2 melanosomal transmembrane protein; minus strand). Cytogenetic location: 15q13.1.
Variant type: single nucleotide variant.
Coding change: c.1208A>G on transcript NM_000275.3 (MANE Select); coding-DNA position 1208, A replaced by G.
Protein change: p.Glu403Gly; replaces glutamic acid 403 with glycine.
Molecular consequence: missense variant.
Genome position (GRCh38, 1-based): chr15:27,986,618, T>C on the plus strand (A>G on the coding strand, the complement: OCA2 is on the minus strand). VCF-style: chr15-27986618-T-C. GRCh37 (hg19) VCF-style: chr15-28231764-T-C.
Other names: c.1136A>G, p.Glu379Gly (NM_001300984.2); short protein forms E379G, E403G.
Identifiers: ClinVar variation 4537138 (VCV004537138.1).